The following is an entry in ClinVar:

NM_000455.5(STK11):c.920+7G>A

Gene: STK11 (serine/threonine kinase 11; plus strand). Cytogenetic location: 19p13.3.
Variant type: single nucleotide variant.
Coding change: c.920+7G>A on transcript NM_000455.5 (MANE Select); 7 bases into the intron after coding-DNA position 920, G replaced by A.
Molecular consequence: intron variant.
Genome position (GRCh38, 1-based): chr19:1,222,013, G>A. VCF-style: chr19-1222013-G-A. GRCh37 (hg19) VCF-style: chr19-1222012-G-A.
Identifiers: ClinVar variation 215742 (VCV000215742.26), dbSNP rs2075607, ClinGen allele CA049602.

ClinVar aggregate classification (germline): Conflicting classifications of pathogenicity. Review status: criteria provided, conflicting classifications (1 of 4 stars). 11 submissions from 11 submitters: Uncertain significance (1); Benign (1); Likely benign (8). 1 of the submissions does not count toward it. Last evaluated 2026-01-30.

Conditions:
Hereditary cancer-predisposing syndrome. Also called: Tumor predisposition; Hereditary Cancer Syndrome; Neoplastic Syndromes, Hereditary; Hereditary neoplastic syndrome. Identifiers: Orphanet 140162, MedGen C0027672, MeSH D009386, MONDO:0015356.
Peutz-Jeghers syndrome (PJS). Also called: POLYPOSIS, HAMARTOMATOUS INTESTINAL; POLYPS-AND-SPOTS SYNDROME; Peutz-Jeghers polyposis; Periorificial lentiginosis syndrome. Identifiers: Orphanet 2869, MedGen C0031269, MeSH D010580, MONDO:0008280, OMIM 175200.

Allele frequency attached by ClinVar (database versions not stated): TOPMed 0.00002.
gnomAD v4.1: 10 of 1,565,288 alleles (0.00064%); highest among the groups gnomAD compares: East Asian, 0.0024%; no homozygotes.

Submissions (11):

Labcorp Genetics (formerly Invitae), Labcorp
Classification: Likely benign for Peutz-Jeghers syndrome. Last evaluated: 2026-01-30. Review status: criteria provided, single submitter. Criteria: Invitae Variant Classification Sherloc (09022015). Collection method: clinical testing. Allele origin: germline.

Quest Diagnostics Nichols Institute San Juan Capistrano
Classification: Uncertain significance. Last evaluated: 2025-10-01. Review status: criteria provided, single submitter. Criteria: Quest Diagnostics criteria. Collection method: clinical testing. Allele origin: unknown.
Comment: The STK11 c.920+7G>A variant has not been reported in individuals with STK11-related conditions in the published literature. The frequency of this variant in the general population (Genome Aggregation Database) is uninformative in the assessment of its pathogenicity. Analysis of this variant using software algorithms for the prediction of the effect of nucleotide changes on splicing yielded predictions that this variant does not affect STK11 mRNA splicing. Based on the available information, we are unable to determine the clinical significance of this variant.

Women's Health and Genetics/Laboratory Corporation of America, LabCorp
Classification: Likely benign. Last evaluated: 2025-04-29. Review status: criteria provided, single submitter. Criteria: LabCorp Variant Classification Summary - May 2015. Collection method: clinical testing. Allele origin: germline.
Comment: Variant summary: STK11 c.920+7G>A alters a nucleotide located at a position not widely known to affect splicing. The variant allele was found at a frequency of 2.3e-05 in 170686 control chromosomes. The available data on variant occurrences in the general population are insufficient to allow any conclusion about variant significance. To our knowledge, no occurrence of c.920+7G>A in individuals affected with Peutz-Jeghers Syndrome and no experimental evidence demonstrating its impact on protein function have been reported. ClinVar contains an entry for this variant (Variation ID: 215742). Based on the evidence outlined above, the variant was classified as likely benign.

Molecular Pathology, Peter Maccallum Cancer Centre
Classification: Likely benign for Peutz-Jeghers syndrome. Last evaluated: 2025-02-27. Review status: criteria provided, single submitter. Criteria: ACMG Guidelines, 2015. Collection method: clinical testing. Allele origin: germline. Inheritance: Autosomal dominant inheritance.

Department of Pathology and Laboratory Medicine, Sinai Health System
Classification: Likely benign for Peutz-Jeghers syndrome. Last evaluated: 2024-06-19. Review status: criteria provided, single submitter. Criteria: ACMG Guidelines, 2015. Collection method: clinical testing. Allele origin: germline. Affected: no.

Myriad Genetics, Inc.
Classification: Benign for Peutz-Jeghers syndrome. Last evaluated: 2023-04-12. Review status: criteria provided, single submitter. Criteria: Myriad Autosomal Dominant, Autosomal Recessive and X-Linked Classification Criteria (2023). Collection method: clinical testing. Allele origin: unknown.
Comment: This variant is considered benign. This variant is intronic and is not expected to impact mRNA splicing. Homozygosity has been confirmed in one or more individuals. As homozygosity for pathogenic variants in this gene is generally assumed to result in embryonic lethality, this variant is unlikely to be pathogenic.

Genome-Nilou Lab
Classification: Likely benign for Peutz-Jeghers syndrome. Last evaluated: 2021-07-15. Review status: criteria provided, single submitter. Criteria: ACMG Guidelines, 2015. Collection method: clinical testing. Allele origin: germline. Affected: no.

GeneDx
Classification: Likely benign. Last evaluated: 2017-12-21. Review status: criteria provided, single submitter. Criteria: GeneDx Variant Classification (06012015). Collection method: clinical testing. Allele origin: germline. Affected: yes.
Comment: This variant is considered likely benign or benign based on one or more of the following criteria: it is a conservative change, it occurs at a poorly conserved position in the protein, it is predicted to be benign by multiple in silico algorithms, and/or has population frequency not consistent with disease.

PreventionGenetics, part of Exact Sciences
Classification: Likely benign. Last evaluated: 2017-05-04. Review status: criteria provided, single submitter. Criteria: ACMG Guidelines, 2015. Collection method: clinical testing. Allele origin: germline.

Color Diagnostics, LLC DBA Color Health
Classification: Likely benign for Hereditary cancer-predisposing syndrome. Last evaluated: 2016-10-11. Review status: criteria provided, single submitter. Criteria: ACMG Guidelines, 2015. Collection method: clinical testing. Allele origin: germline.

Counsyl
Classification: Likely benign for Peutz-Jeghers syndrome. Last evaluated: 2016-08-16. Review status: no assertion criteria provided. Collection method: clinical testing. Allele origin: unknown. Not counted in ClinVar's aggregate classification.

Literature cited by the submitters: PubMed 12112668 (cited by Quest Diagnostics Nichols Institute San Juan Capistrano).